The following is an entry in ClinVar:

NC_000020.10:g.(?_62119631)_62159505del

Gene: EEF1A2 (eukaryotic translation elongation factor 1 alpha 2; minus strand).
Variant type: Deletion.
Identifiers: ClinVar variation 999458 (VCV000999458.2).

ClinVar aggregate classification (germline): Uncertain significance (1 of 4 stars; one submission).

Conditions:
Developmental and epileptic encephalopathy, 33 (DEE33). Also called: Epileptic encephalopathy, early infantile, 33. Identifiers: Orphanet 442835, MedGen C4225337, MONDO:0014625, OMIM 616409.

Submission:

Labcorp Genetics (formerly Invitae), Labcorp
Classification: Uncertain significance for Developmental and epileptic encephalopathy, 33. Last evaluated: 2018-08-22. Review status: criteria provided, single submitter. Criteria: Invitae Variant Classification Sherloc (09022015). Collection method: clinical testing. Allele origin: germline.
Comment: A gross deletion of the genomic region encompassing the full coding sequence of the EEF1A2 gene has been identified. The boundaries of this event are unknown as the deletion extends beyond the assayed region for this gene and therefore may encompass additional genes. This variant has not been reported in the literature in individuals with EEF1A2-related disease. The current clinical and genetic evidence is not sufficient to establish whether loss-of-function variants in EEF1A2 cause disease. In summary, the available evidence is currently insufficient to determine the role of this variant in disease. Therefore, it has been classified as a Variant of Uncertain Significance.